The following is an entry in ClinVar:

ClinVar aggregate classification (germline): Uncertain significance. Review status: criteria provided, multiple submitters, no conflicts (2 of 4 stars). 3 submissions from 3 submitters: Uncertain significance (2). 1 of the submissions does not count toward it. Last evaluated 2025-02-25.

Conditions:
Mucopolysaccharidosis type 1. Also called: Mucopolysaccharidosis Type I; IDUA deficiency; MPS I. Identifiers: Orphanet 579, MedGen C0023786, MONDO:0001586.
Hurler syndrome. Also called: Gargoylism, Hurler Syndrome; MUCOPOLYSACCHARIDOSIS TYPE IH; Severe MPS I (Hurler Syndrome). Identifiers: Orphanet 93473, MedGen C0086795, MONDO:0011758, OMIM 607014.

Submissions (3):

Revvity Omics, Revvity
Classification: Uncertain significance. Last evaluated: 2025-02-25. Review status: criteria provided, single submitter. Criteria: ACMG Guidelines, 2015. Collection method: clinical testing. Allele origin: germline.

Labcorp Genetics (formerly Invitae), Labcorp
Classification: Uncertain significance for Mucopolysaccharidosis type 1. Last evaluated: 2024-03-26. Review status: criteria provided, single submitter. Criteria: Invitae Variant Classification Sherloc (09022015). Collection method: clinical testing. Allele origin: germline.
Comment: This variant, c.640_642dup, results in the insertion of 1 amino acid(s) of the IDUA protein (p.Pro214dup), but otherwise preserves the integrity of the reading frame. This variant is present in population databases (rs764105238, gnomAD 0.01%). This variant has not been reported in the literature in individuals affected with IDUA-related conditions. ClinVar contains an entry for this variant (Variation ID: 551861). Experimental studies and prediction algorithms are not available or were not evaluated, and the functional significance of this variant is currently unknown. In summary, the available evidence is currently insufficient to determine the role of this variant in disease. Therefore, it has been classified as a Variant of Uncertain Significance.

Counsyl
Classification: Uncertain significance for Hurler syndrome. Last evaluated: 2017-05-10. Review status: no assertion criteria provided. Collection method: clinical testing. Allele origin: unknown. Not counted in ClinVar's aggregate classification.

NM_000203.5(IDUA):c.640_642dup (p.Pro214dup)

Gene: IDUA (alpha-L-iduronidase; plus strand). Cytogenetic location: 4p16.3.
Variant type: Duplication.
Coding change: c.640_642dup on transcript NM_000203.5 (MANE Select); coding-DNA positions 640 to 642, 3 bases duplicated (CCC; older notation c.640_642dupCCC).
Protein change: p.Pro214dup; duplicates proline 214.
Molecular consequence: inframe insertion. On other transcripts: non-coding transcript variant (1).
Genome position (GRCh38, 1-based): chr4:1,001,729-1,001,731, CCC duplicated; duplicating any 3 consecutive bases within chr4:1,001,728-1,001,731 gives the same sequence; the c. name uses the placement nearest the transcript's 3' end. VCF-style (leftmost placement, unchanged base first): chr4-1001727-G-GCCC. GRCh37 (hg19) VCF-style: chr4-995515-G-GCCC.
Other names: c.244_246dup, p.Pro82dup (NM_001363576.1).
Identifiers: ClinVar variation 551861 (VCV000551861.9), dbSNP rs764105238, ClinGen allele CA2802040.